The following is an entry in ClinVar:

ClinVar aggregate classification (germline): Pathogenic (1 of 4 stars; one submission).

Conditions:
VPS13A-related neurodegenerative disease. Also called: ACANTHOCYTOSIS WITH NEUROLOGIC DISORDER; LEVINE-CRITCHLEY SYNDROME; Choreoacanthocytosis; Chorea-acanthocytosis; Choreaacanthocytosis; VPS13A Disease. Identifiers: Orphanet 2388, MedGen C0393576, MONDO:0008695, OMIM 200150.

Submission:

Myriad Genetics, Inc.
Classification: Pathogenic for VPS13A-related neurodegenerative disease. Last evaluated: 2024-11-26. Review status: criteria provided, single submitter. Criteria: Myriad Autosomal Dominant, Autosomal Recessive and X-Linked Classification Criteria (2023). Collection method: clinical testing. Allele origin: unknown.
Comment: NM_033305.2(VPS13A):c.9047dupT(M3016Ifs*3) is expected to be pathogenic in the context of VPS13A disease. This variant is predicted to lead to an abnormal or absent protein product due to the creation of a premature termination codon in VPS13A, a gene where loss-of-function variants are known to be pathogenic. Please note: this variant was assessed in the context of healthy population screening.

NM_033305.3(VPS13A):c.9047dup (p.Met3016fs)

Gene: VPS13A (vacuolar protein sorting 13 homolog A; plus strand). Cytogenetic location: 9q21.2.
Variant type: Duplication.
Coding change: c.9047dup on transcript NM_033305.3 (MANE Select); coding-DNA position 9047, one base duplicated (T; older notation c.9047dupT).
Protein change: p.Met3016fs; shifts the reading frame from methionine 3016.
Molecular consequence: frameshift variant.
Genome position (GRCh38, 1-based): chr9:77,371,119, T duplicated. VCF-style (leftmost placement, unchanged base first): chr9-77371118-A-AT. GRCh37 (hg19) VCF-style: chr9-79986034-A-AT.
Other names: c.8930dup, p.Met2977fs (NM_001018037.2); c.9047dup, p.Met3016fs (NM_001018038.3, NM_015186.4); short protein forms M2977fs, M3016fs.
Identifiers: ClinVar variation 5013808 (VCV005013808.1).
Genomic context (GRCh38, chr9:77,371,118, plus strand): 5'-AAAGGTGTTGGGAAAGGTTTAGTAGGAGCGGTAGCAAGGCCAACTGGAGGCATCATAGAC[A>AT]TGGCTAGCAGTACATTTCAGGGAATAAAAAGGTAAATCCTCTTTGGTGTAAGATATGAGT-3'